The following is an entry in ClinVar:

NM_152703.5(SAMD9L):c.434T>C (p.Val145Ala)

Gene: SAMD9L (sterile alpha motif domain containing 9 like; minus strand). Cytogenetic location: 7q21.2.
Variant type: single nucleotide variant.
Coding change: c.434T>C on transcript NM_152703.5 (MANE Select); coding-DNA position 434, T replaced by C.
Protein change: p.Val145Ala; replaces valine 145 with alanine.
Molecular consequence: missense variant.
Genome position (GRCh38, 1-based): chr7:93,135,538, A>G on the plus strand (T>C on the coding strand, the complement: SAMD9L is on the minus strand). VCF-style: chr7-93135538-A-G. GRCh37 (hg19) VCF-style: chr7-92764851-A-G.
Other names: c.434T>C, p.Val145Ala (NM_001303496.3, NM_001303497.3, NM_001303498.3 and 5 more transcripts); short protein forms V145A.
Identifiers: ClinVar variation 4159257 (VCV004159257.1).

ClinVar aggregate classification (germline): Uncertain significance (1 of 4 stars; one submission).

Conditions:
Inborn genetic diseases. Identifiers: MedGen C0950123, MeSH D030342.

gnomAD v4.1: 4 of 1,613,870 alleles (0.00025%); highest among the groups gnomAD compares: African/African-American, 0.0013%; no homozygotes.

Submission:

Ambry Genetics
Classification: Uncertain significance for Inborn genetic diseases. Last evaluated: 2025-06-22. Review status: criteria provided, single submitter. Criteria: Ambry Variant Classification Scheme 2023. Collection method: clinical testing. Allele origin: germline.
Comment: The p.V145A variant (also known as c.434T>C), located in coding exon 1 of the SAMD9L gene, results from a T to C substitution at nucleotide position 434. The valine at codon 145 is replaced by alanine, an amino acid with similar properties. This amino acid position is conserved. In addition, this alteration is predicted to be tolerated by in silico analysis. Based on the available evidence, the clinical significance of this variant remains unclear.